The following is an entry in ClinVar:

ClinVar aggregate classification (germline): Uncertain significance. Review status: criteria provided, multiple submitters, no conflicts (2 of 4 stars). 2 submissions from 2 submitters: Uncertain significance (2). Last evaluated 2023-07-10.

Conditions:
Neuroblastoma, susceptibility to, 3. Also called: ALK-Related Neuroblastic Tumor Susceptibility. Identifiers: Orphanet 635, MedGen C2751681, MONDO:0013083, OMIM 613014.
Hereditary cancer-predisposing syndrome. Also called: Tumor predisposition; Hereditary neoplastic syndrome; Neoplastic Syndromes, Hereditary; Hereditary Cancer Syndrome. Identifiers: Orphanet 140162, MedGen C0027672, MeSH D009386, MONDO:0015356.

gnomAD v4.1: 1 of 1,614,170 alleles (0.000062%); highest among the groups gnomAD compares: Non-Finnish European, 0.000085%; no homozygotes.

Submissions (2):

Labcorp Genetics (formerly Invitae), Labcorp
Classification: Uncertain significance for Neuroblastoma, susceptibility to, 3. Last evaluated: 2023-07-10. Review status: criteria provided, single submitter. Criteria: Invitae Variant Classification Sherloc (09022015). Collection method: clinical testing. Allele origin: germline.
Comment: This sequence change replaces glycine, which is neutral and non-polar, with valine, which is neutral and non-polar, at codon 975 of the ALK protein (p.Gly975Val). This variant is not present in population databases (gnomAD no frequency). This variant has not been reported in the literature in individuals affected with ALK-related conditions. ClinVar contains an entry for this variant (Variation ID: 1519392). An algorithm developed to predict the effect of missense changes on protein structure and function (PolyPhen-2) suggests that this variant is likely to be disruptive. In summary, the available evidence is currently insufficient to determine the role of this variant in disease. Therefore, it has been classified as a Variant of Uncertain Significance.

Ambry Genetics
Classification: Uncertain significance for Hereditary cancer-predisposing syndrome. Last evaluated: 2023-07-03. Review status: criteria provided, single submitter. Criteria: Ambry Variant Classification Scheme 2023. Collection method: clinical testing. Allele origin: germline.
Comment: The p.G975V variant (also known as c.2924G>T), located in coding exon 18 of the ALK gene, results from a G to T substitution at nucleotide position 2924. The glycine at codon 975 is replaced by valine, an amino acid with dissimilar properties. This amino acid position is conserved. In addition, this alteration is predicted to be deleterious by in silico analysis. Since supporting evidence is limited at this time, the clinical significance of this alteration remains unclear.

NM_004304.5(ALK):c.2924G>T (p.Gly975Val)

Gene: ALK (ALK receptor tyrosine kinase; minus strand). Cytogenetic location: 2p23.2.
Variant type: single nucleotide variant.
Coding change: c.2924G>T on transcript NM_004304.5 (MANE Select); coding-DNA position 2924, G replaced by T.
Protein change: p.Gly975Val; replaces glycine 975 with valine.
Molecular consequence: missense variant.
Genome position (GRCh38, 1-based): chr2:29,227,065, C>A on the plus strand (G>T on the coding strand, the complement: ALK is on the minus strand). VCF-style: chr2-29227065-C-A. GRCh37 (hg19) VCF-style: chr2-29449931-C-A.
Other names: c.2924G>T (NM_004304.4); short protein forms G975V.
Identifiers: ClinVar variation 1519392 (VCV001519392.9), dbSNP rs1472378906, ClinGen allele CA346468115.
Genomic context (GRCh38, chr2:29,227,065, plus strand): 5'-CATTCGTCTACCTCACAGTGACTGCAGTTTAGATAATGCTTAATATTCACTTCCCCGTGG[C>A]CTTCCATCACTAGTGACAAGGAGGGAGGGTCAGTCTTGGGCCGAGCCTGCCTCCCCACTC-3'
Protein context (NP_004295.2, residues 965-985): LYTPALKVME[Gly975Val]HGEVNIKHYL